The following is an entry in ClinVar:

ClinVar aggregate classification (germline): Uncertain significance (1 of 4 stars; one submission).

Conditions:
Rhabdoid tumor predisposition syndrome 2 (RTPS2). Identifiers: Orphanet 231108, Orphanet 69077, MedGen C2750074, MONDO:0013224, OMIM 613325.

Submission:

Labcorp Genetics (formerly Invitae), Labcorp
Classification: Uncertain significance for Rhabdoid tumor predisposition syndrome 2. Last evaluated: 2021-12-02. Review status: criteria provided, single submitter. Criteria: Invitae Variant Classification Sherloc (09022015). Collection method: clinical testing. Allele origin: germline.
Comment: This sequence change replaces methionine, which is neutral and non-polar, with leucine, which is neutral and non-polar, at codon 42 of the SMARCA4 protein (p.Met42Leu). This variant is not present in population databases (gnomAD no frequency). In summary, the available evidence is currently insufficient to determine the role of this variant in disease. Therefore, it has been classified as a Variant of Uncertain Significance. Algorithms developed to predict the effect of missense changes on protein structure and function are either unavailable or do not agree on the potential impact of this missense change (SIFT: "Tolerated"; PolyPhen-2: "Not Available"; Align-GVGD: "Class C0"). This variant has not been reported in the literature in individuals affected with SMARCA4-related conditions.

NM_003072.5(SMARCA4):c.124A>T (p.Met42Leu)

Gene: SMARCA4 (SWI/SNF related BAF chromatin remodeling complex subunit ATPase 4; plus strand). Cytogenetic location: 19p13.2.
Variant type: single nucleotide variant.
Coding change: c.124A>T on transcript NM_003072.5 (MANE Select); coding-DNA position 124, A replaced by T.
Protein change: p.Met42Leu; replaces methionine 42 with leucine.
Molecular consequence: missense variant. On other transcripts: non-coding transcript variant (1).
Genome position (GRCh38, 1-based): chr19:10,984,275, A>T. VCF-style: chr19-10984275-A-T. GRCh37 (hg19) VCF-style: chr19-11094951-A-T.
Other names: c.124A>T, p.Met42Leu (NM_001128844.3, NM_001128845.2, NM_001128846.2 and 6 more transcripts); short protein forms M42L.
Identifiers: ClinVar variation 2024621 (VCV002024621.4), dbSNP rs1060502081, ClinGen allele CA404054338.